The following is an entry in ClinVar:

NM_004990.4(MARS1):c.2264T>C (p.Met755Thr)

Gene: MARS1 (methionyl-tRNA synthetase 1; plus strand). Cytogenetic location: 12q13.3.
Variant type: single nucleotide variant.
Coding change: c.2264T>C on transcript NM_004990.4 (MANE Select); coding-DNA position 2264, T replaced by C.
Protein change: p.Met755Thr; replaces methionine 755 with threonine.
Molecular consequence: missense variant.
Genome position (GRCh38, 1-based): chr12:57,515,209, T>C. VCF-style: chr12-57515209-T-C. GRCh37 (hg19) VCF-style: chr12-57908992-T-C.
Other names: short protein forms M755T.
Identifiers: ClinVar variation 2419135 (VCV002419135.30), dbSNP rs745605073, ClinGen allele CA6650763.

ClinVar aggregate classification (germline): Uncertain significance. Review status: criteria provided, multiple submitters, no conflicts (2 of 4 stars). 2 submissions from 2 submitters: Uncertain significance (2). Last evaluated 2024-10-23.

Conditions:
Severe early-onset pulmonary alveolar proteinosis due to MARS deficiency. Also called: Interstitial lung and liver disease; PULMONARY ALVEOLAR PROTEINOSIS, REUNION ISLAND. Identifiers: Orphanet 440427, MedGen C4225400, MONDO:0014206, OMIM 615486.
Charcot-Marie-Tooth disease axonal type 2U. Also called: CHARCOT-MARIE-TOOTH NEUROPATHY, TYPE 2U; CHARCOT-MARIE-TOOTH DISEASE, AXONAL, AUTOSOMAL DOMINANT, TYPE 2U. Identifiers: Orphanet 397735, MedGen C4084821, MONDO:0014566, OMIM 616280.

Allele frequency attached by ClinVar (database versions not stated): ExAC 0.00001; gnomAD 0.00001; gnomAD exomes 0.00001; TOPMed 0.00002.
gnomAD v4.1: 10 of 1,614,106 alleles (0.00062%); highest among the groups gnomAD compares: Non-Finnish European, 0.00085%; no homozygotes.

Submissions (2):

Labcorp Genetics (formerly Invitae), Labcorp
Classification: Uncertain significance for Charcot-Marie-Tooth disease axonal type 2U; Severe early-onset pulmonary alveolar proteinosis due to MARS deficiency. Last evaluated: 2024-10-23. Review status: criteria provided, single submitter. Criteria: Invitae Variant Classification Sherloc (09022015). Collection method: clinical testing. Allele origin: germline.
Comment: This sequence change replaces methionine, which is neutral and non-polar, with threonine, which is neutral and polar, at codon 755 of the MARS protein (p.Met755Thr). This variant is present in population databases (rs745605073, gnomAD 0.006%). This variant has not been reported in the literature in individuals affected with MARS-related conditions. ClinVar contains an entry for this variant (Variation ID: 2419135). An algorithm developed to predict the effect of missense changes on protein structure and function (PolyPhen-2) suggests that this variant is likely to be tolerated. In summary, the available evidence is currently insufficient to determine the role of this variant in disease. Therefore, it has been classified as a Variant of Uncertain Significance.

CeGaT Center for Human Genetics Tuebingen
Classification: Uncertain significance. Last evaluated: 2022-07-01. Review status: criteria provided, single submitter. Criteria: CeGaT Center For Human Genetics Tuebingen Variant Classification Criteria Version 2. Collection method: clinical testing. Allele origin: germline. Affected: yes. Observed: 1 variant allele.
Comment: MARS1: PM2